The following is an entry in ClinVar:

NM_006496.4(GNAI3):c.534A>T (p.Arg178Ser)

Gene: GNAI3 (G protein subunit alpha i3; plus strand). Cytogenetic location: 1p13.3.
Variant type: single nucleotide variant.
Coding change: c.534A>T on transcript NM_006496.4 (MANE Select); coding-DNA position 534, A replaced by T.
Protein change: p.Arg178Ser; replaces arginine 178 with serine.
Molecular consequence: missense variant.
Genome position (GRCh38, 1-based): chr1:109,582,509, A>T. VCF-style: chr1-109582509-A-T. GRCh37 (hg19) VCF-style: chr1-110125131-A-T.
Other names: short protein forms R178S.
Identifiers: ClinVar variation 3777495 (VCV003777495.1).

ClinVar aggregate classification (germline): Uncertain significance (1 of 4 stars; one submission).

Submission:

GeneDx
Classification: Uncertain significance. Last evaluated: 2024-10-07. Review status: criteria provided, single submitter. Criteria: GeneDx Variant Classification Process June 2021. Collection method: clinical testing. Allele origin: germline. Affected: yes.
Comment: Not observed at significant frequency in large population cohorts (gnomAD); In silico analysis supports that this missense variant has a deleterious effect on protein structure/function; Has not been previously published as pathogenic or benign to our knowledge